The following is an entry in ClinVar:

ClinVar aggregate classification (germline): Uncertain significance (1 of 4 stars; one submission).

Conditions:
Autosomal recessive limb-girdle muscular dystrophy type 2A (LGMDR1). Also called: Muscular dystrophy, limb-girdle, type 2A, Amish; Limb-girdle muscular dystrophy, type 2A; Calpainopathy; LEYDEN-MOEBIUS MUSCULAR DYSTROPHY; MUSCULAR DYSTROPHY, PELVOFEMORAL. Identifiers: Orphanet 267, MedGen C1869123, MONDO:0009675, OMIM 253600. Disease mechanism: loss of function.

gnomAD v4.1: 3 of 1,614,204 alleles (0.00019%); highest among the groups gnomAD compares: Admixed American, 0.0033%; no homozygotes.

Submission:

Labcorp Genetics (formerly Invitae), Labcorp
Classification: Uncertain significance for Autosomal recessive limb-girdle muscular dystrophy type 2A. Last evaluated: 2025-02-26. Review status: criteria provided, single submitter. Criteria: Invitae Variant Classification Sherloc (09022015). Collection method: clinical testing. Allele origin: germline.
Comment: This sequence change replaces serine, which is neutral and polar, with arginine, which is basic and polar, at codon 552 of the CAPN3 protein (p.Ser552Arg). This variant is present in population databases (rs751666282, gnomAD 0.006%). This variant has not been reported in the literature in individuals affected with CAPN3-related conditions. ClinVar contains an entry for this variant (Variation ID: 1937470). Invitae Evidence Modeling of protein sequence and biophysical properties (such as structural, functional, and spatial information, amino acid conservation, physicochemical variation, residue mobility, and thermodynamic stability) indicates that this missense variant is expected to disrupt CAPN3 protein function with a positive predictive value of 80%. In summary, the available evidence is currently insufficient to determine the role of this variant in disease. Therefore, it has been classified as a Variant of Uncertain Significance.

NM_000070.3(CAPN3):c.1656C>A (p.Ser552Arg)

Gene: CAPN3 (calpain 3; plus strand). Cytogenetic location: 15q15.1.
Variant type: single nucleotide variant.
Coding change: c.1656C>A on transcript NM_000070.3 (MANE Select); coding-DNA position 1656, C replaced by A.
Protein change: p.Ser552Arg; replaces serine 552 with arginine.
Molecular consequence: missense variant.
Genome position (GRCh38, 1-based): chr15:42,402,913, C>A. VCF-style: chr15-42402913-C-A. GRCh37 (hg19) VCF-style: chr15-42695111-C-A.
Other names: c.1656C>A, p.Ser552Arg (NM_024344.2); c.1512C>A, p.Ser504Arg (NM_173087.2); c.120C>A, p.Ser40Arg (NM_173088.2); c.*772C>A (NM_212464.2); c.*1349C>A (NM_212467.2); short protein forms S40R, S552R, S504R.
Identifiers: ClinVar variation 1937470 (VCV001937470.5), dbSNP rs751666282, ClinGen allele CA7511457.